The following is an entry in ClinVar:

ClinVar aggregate classification (germline): Uncertain significance (1 of 4 stars; one submission).

Conditions:
KSR2-related disorder. Also called: KSR2-related condition.

Submission:

PreventionGenetics, part of Exact Sciences
Classification: Uncertain significance for KSR2-related condition. Last evaluated: 2025-12-10. Review status: criteria provided, single submitter. Criteria: ACMG Guidelines, 2015. Collection method: clinical testing. Allele origin: germline.
Comment: The KSR2 c.305_306delTG variant is predicted to result in a frameshift and premature protein termination (p.Val102Glyfs*254). To our knowledge, this variant has not been reported in the literature or in a large population database (gnomAD), indicating it is rare. A few loss-of-function variants in KSR2 have been reported in association with disease (Pearce et al. 2013. PubMed ID: 24209692); however, this mechanism of disease has not been definitively established, particularly for those occurring early in the protein. Although we suspect that this variant may be pathogenic, at this time, the clinical significance is uncertain due to the absence of conclusive functional and genetic evidence.

NM_173598.6(KSR2):c.392_393del (p.Val131fs)

Gene: KSR2 (kinase suppressor of ras 2; minus strand). Cytogenetic location: 12q24.23.
Variant type: Microsatellite.
Coding change: c.392_393del on transcript NM_173598.6 (MANE Select); coding-DNA positions 392 to 393, 2 bases deleted (TG; older notation c.392_393delTG).
Protein change: p.Val131fs; shifts the reading frame from valine 131.
Molecular consequence: frameshift variant.
Genome position (GRCh38, 1-based): chr12:117,855,507-117,855,508, CA deleted on the plus strand (TG on the coding strand, the reverse complement: KSR2 is on the minus strand); deleting any 2 consecutive bases within chr12:117,855,507-117,855,510 gives the same sequence; the c. name uses the placement nearest the transcript's 3' end. VCF-style (leftmost placement, unchanged base first): chr12-117855506-CCA-C. GRCh37 (hg19) VCF-style: chr12-118293311-CCA-C.
Other names: short protein forms V131fs.
Identifiers: ClinVar variation 5001494 (VCV005001494.1).
Genomic context (GRCh38, chr12:117,855,506, plus strand): 5'-TGAGGCAGGAGAGGGAGGCGTTGAGGCGGGCACACTCCTCCCGGTTGGCTCCGTATTTCT[CCA>C]CAGTCTCGCACACCTGTTCATCCGTCATCTCCAAGAGGTCCTCCAGGCTCAGCTGGCCGG-3'